The following is an entry in ClinVar:

NM_005802.5(TOPORS):c.1241C>T (p.Ala414Val)

Gene: TOPORS (TOP1 binding arginine/serine rich protein, E3 ubiquitin ligase; minus strand). Cytogenetic location: 9p21.1.
Variant type: single nucleotide variant.
Coding change: c.1241C>T on transcript NM_005802.5 (MANE Select); coding-DNA position 1241, C replaced by T.
Protein change: p.Ala414Val; replaces alanine 414 with valine.
Molecular consequence: missense variant.
Genome position (GRCh38, 1-based): chr9:32,543,284, G>A on the plus strand (C>T on the coding strand, the complement: TOPORS is on the minus strand). VCF-style: chr9-32543284-G-A. GRCh37 (hg19) VCF-style: chr9-32543282-G-A.
Other names: c.1046C>T, p.Ala349Val (NM_001195622.2); short protein forms A349V, A414V.
Identifiers: ClinVar variation 1716103 (VCV001716103.5), dbSNP rs2489452001, ClinGen allele CA373170864.

ClinVar aggregate classification (germline): Uncertain significance (1 of 4 stars; one submission).

Allele frequency attached by ClinVar (database versions not stated): gnomAD exomes below 0.00001.
gnomAD v4.1: 3 of 1,613,962 alleles (0.00019%); highest among the groups gnomAD compares: Non-Finnish European, 0.00017%; no homozygotes.

Submission:

Labcorp Genetics (formerly Invitae), Labcorp
Classification: Uncertain significance. Last evaluated: 2024-10-25. Review status: criteria provided, single submitter. Criteria: Invitae Variant Classification Sherloc (09022015). Collection method: clinical testing. Allele origin: germline.
Comment: This sequence change replaces alanine, which is neutral and non-polar, with valine, which is neutral and non-polar, at codon 414 of the TOPORS protein (p.Ala414Val). This variant is not present in population databases (gnomAD no frequency). This variant has not been reported in the literature in individuals affected with TOPORS-related conditions. ClinVar contains an entry for this variant (Variation ID: 1716103). An algorithm developed to predict the effect of missense changes on protein structure and function (PolyPhen-2) suggests that this variant is likely to be disruptive. In summary, the available evidence is currently insufficient to determine the role of this variant in disease. Therefore, it has been classified as a Variant of Uncertain Significance.